The following is an entry in ClinVar:

NM_198253.3(TERT):c.3001A>G (p.Ile1001Val)

Gene: TERT (telomerase reverse transcriptase; minus strand). Cytogenetic location: 5p15.33.
Variant type: single nucleotide variant.
Coding change: c.3001A>G on transcript NM_198253.3 (MANE Select); coding-DNA position 3001, A replaced by G.
Protein change: p.Ile1001Val; replaces isoleucine 1001 with valine.
Molecular consequence: missense variant. On other transcripts: non-coding transcript variant (2).
Genome position (GRCh38, 1-based): chr5:1,258,629, T>C on the plus strand (A>G on the coding strand, the complement: TERT is on the minus strand). VCF-style: chr5-1258629-T-C. GRCh37 (hg19) VCF-style: chr5-1258744-T-C.
Other names: c.2812A>G, p.Ile938Val (NM_001193376.3); short protein forms I1001V, I938V.
Identifiers: ClinVar variation 934100 (VCV000934100.12), dbSNP rs1747930001, ClinGen allele CA359068884.

ClinVar aggregate classification (germline): Conflicting classifications of pathogenicity. Review status: criteria provided, conflicting classifications (1 of 4 stars). 2 submissions from 2 submitters: Uncertain significance (1); Likely benign (1). Last evaluated 2025-07-31.

Conditions:
Dyskeratosis congenita. Identifiers: Orphanet 1775, MedGen C0265965, MONDO:0015780.
Idiopathic Pulmonary Fibrosis. Also called: Idiopathic fibrosing alveolitis, chronic form; idiopathic fibrosing alveolitis. Identifiers: Orphanet 2032, MedGen C1800706, MeSH D054990, MONDO:0800504.
Dyskeratosis congenita, autosomal dominant 2. Identifiers: MedGen C3151443, MONDO:0013521, OMIM 613989.

Submissions (2):

Labcorp Genetics (formerly Invitae), Labcorp
Classification: Uncertain significance for Dyskeratosis congenita, autosomal dominant 2; Idiopathic Pulmonary Fibrosis. Last evaluated: 2025-07-31. Review status: criteria provided, single submitter. Criteria: Invitae Variant Classification Sherloc (09022015). Collection method: clinical testing. Allele origin: germline.
Comment: This sequence change replaces isoleucine, which is neutral and non-polar, with valine, which is neutral and non-polar, at codon 1001 of the TERT protein (p.Ile1001Val). This variant is not present in population databases (gnomAD no frequency). This variant has not been reported in the literature in individuals affected with TERT-related conditions. ClinVar contains an entry for this variant (Variation ID: 934100). Invitae Evidence Modeling of protein sequence and biophysical properties (such as structural, functional, and spatial information, amino acid conservation, physicochemical variation, residue mobility, and thermodynamic stability) indicates that this missense variant is not expected to disrupt TERT protein function with a negative predictive value of 95%. In summary, the available evidence is currently insufficient to determine the role of this variant in disease. Therefore, it has been classified as a Variant of Uncertain Significance.

Ambry Genetics
Classification: Likely benign for Dyskeratosis congenita. Last evaluated: 2024-08-04. Review status: criteria provided, single submitter. Criteria: Ambry Variant Classification Scheme 2023. Collection method: clinical testing. Allele origin: germline.